The following is an entry in ClinVar:

NM_001164665.2(KIAA1549):c.5731C>T (p.Pro1911Ser)

Gene: KIAA1549 (KIAA1549; minus strand). Cytogenetic location: 7q34.
Variant type: single nucleotide variant.
Coding change: c.5731C>T on transcript NM_001164665.2 (MANE Select); coding-DNA position 5731, C replaced by T.
Protein change: p.Pro1911Ser; replaces proline 1911 with serine.
Molecular consequence: missense variant.
Genome position (GRCh38, 1-based): chr7:138,838,028, G>A on the plus strand (C>T on the coding strand, the complement: KIAA1549 is on the minus strand). VCF-style: chr7-138838028-G-A. GRCh37 (hg19) VCF-style: chr7-138522773-G-A.
Other names: c.5683C>T, p.Pro1895Ser (NM_020910.3); short protein forms P1895S, P1911S.
Identifiers: ClinVar variation 836683 (VCV000836683.9), dbSNP rs1809791012, ClinGen allele CA369383697.

ClinVar aggregate classification (germline): Uncertain significance (1 of 4 stars; one submission).

Submission:

Labcorp Genetics (formerly Invitae), Labcorp
Classification: Uncertain significance. Last evaluated: 2019-12-17. Review status: criteria provided, single submitter. Criteria: Invitae Variant Classification Sherloc (09022015). Collection method: clinical testing. Allele origin: germline.
Comment: In summary, the available evidence is currently insufficient to determine the role of this variant in disease. Therefore, it has been classified as a Variant of Uncertain Significance. Algorithms developed to predict the effect of missense changes on protein structure and function (SIFT, PolyPhen-2, Align-GVGD) all suggest that this variant is likely to be tolerated, but these predictions have not been confirmed by published functional studies and their clinical significance is uncertain. This variant has not been reported in the literature in individuals with KIAA1549-related conditions. This variant is not present in population databases (ExAC no frequency). This sequence change replaces proline with serine at codon 1911 of the KIAA1549 protein (p.Pro1911Ser). The proline residue is moderately conserved and there is a moderate physicochemical difference between proline and serine.